The following is an entry in ClinVar:

ClinVar aggregate classification (germline): Uncertain significance (1 of 4 stars; one submission).

Conditions:
Vici syndrome (VICIS). Identifiers: Orphanet 1493, MedGen C1855772, MONDO:0009452, OMIM 242840.

Allele frequency attached by ClinVar (database versions not stated): gnomAD exomes below 0.00001; TOPMed below 0.00001; ExAC 0.00001; gnomAD 0.00001.
gnomAD v4.1: 3 of 1,609,626 alleles (0.00019%); highest among the groups gnomAD compares: East Asian, 0.0067%; no homozygotes.

Submission:

Baylor Genetics
Classification: Uncertain significance for Vici syndrome. Last evaluated: 2019-01-17. Review status: criteria provided, single submitter. Criteria: ACMG Guidelines, 2015. Collection method: clinical testing. Allele origin: maternal. Affected: yes.
Comment: This variant was determined to be of uncertain significance according to ACMG Guidelines, 2015 [PMID:25741868].

NM_020964.3(EPG5):c.2107A>G (p.Ile703Val)

Gene: EPG5 (ectopic P-granules 5 autophagy tethering factor; minus strand). Cytogenetic location: 18q21.1.
Variant type: single nucleotide variant.
Coding change: c.2107A>G on transcript NM_020964.3 (MANE Select); coding-DNA position 2107, A replaced by G.
Protein change: p.Ile703Val; replaces isoleucine 703 with valine.
Molecular consequence: missense variant.
Genome position (GRCh38, 1-based): chr18:45,934,959, T>C on the plus strand (A>G on the coding strand, the complement: EPG5 is on the minus strand). VCF-style: chr18-45934959-T-C. GRCh37 (hg19) VCF-style: chr18-43514925-T-C.
Other names: short protein forms I703V.
Identifiers: ClinVar variation 1030739 (VCV001030739.2), dbSNP rs769257326, ClinGen allele CA8949508.